The following is an entry in ClinVar:

NM_004714.3(DYRK1B):c.1528_1531del (p.Gln511fs)

Gene: DYRK1B (dual specificity tyrosine phosphorylation regulated kinase 1B; minus strand). Cytogenetic location: 19q13.2.
Variant type: Deletion.
Coding change: c.1528_1531del on transcript NM_004714.3 (MANE Select); coding-DNA positions 1528 to 1531, 4 bases deleted (TCCC; older notation c.1528_1531delTCCC).
Protein change: p.Gln511fs; shifts the reading frame from glutamine 511.
Molecular consequence: frameshift variant.
Genome position (GRCh38, 1-based): chr19:39,826,074-39,826,077, GGGA deleted on the plus strand (TCCC on the coding strand, the reverse complement: DYRK1B is on the minus strand); deleting any 4 consecutive bases within chr19:39,826,074-39,826,080 gives the same sequence; the c. name uses the placement nearest the transcript's 3' end. VCF-style (leftmost placement, unchanged base first): chr19-39826073-TGGGA-T. GRCh37 (hg19) VCF-style: chr19-40316713-TGGGA-T.
Other names: c.1408_1411del, p.Gln471fs (NM_006483.3); c.1444_1447del, p.Gln483fs (NM_006484.3); short protein forms Q471fs, Q483fs, Q511fs.
Identifiers: ClinVar variation 2634219 (VCV002634219.3), dbSNP rs1193986807, ClinGen allele CA507664292.
Genomic context (GRCh38, chr19:39,826,073, plus strand): 5'-GAGGCAGGGGCTTGATGTGTCTTGTGGGGCACATCACCCCCTGCCCAGGGCCGCAGCGGC[TGGGA>T]GGGTGGGACCTAAAAAAGCAAAGGAGCCATGGGTGATGGAGACCCTGGTCTCTAAGCCCC-3'

ClinVar aggregate classification (germline): Uncertain significance (1 of 4 stars; one submission).

Conditions:
DYRK1B-related disorder. Also called: DYRK1B-related condition.

Submission:

PreventionGenetics, part of Exact Sciences
Classification: Uncertain significance for DYRK1B-related condition. Last evaluated: 2026-02-27. Review status: criteria provided, single submitter. Criteria: ACMG Guidelines, 2015. Collection method: clinical testing. Allele origin: germline.
Comment: The DYRK1B c.1528_1531delTCCC variant is predicted to result in a frameshift and premature protein termination (p.Gln511Argfs*52). To our knowledge, this variant has not been reported in the literature. This variant is reported in 0.0030% of alleles in individuals of European (Non-Finnish) descent in gnomAD. This variant resides in the final exon of this gene, and therefore the resulting mRNA is not expected to undergo nonsense-mediated decay. Furthermore, loss of function has not been established as a mechanism of DYRK1B-related disease. At this time, the clinical significance of this variant is uncertain due to the absence of conclusive functional and genetic evidence.